The following is an entry in ClinVar:

ClinVar aggregate classification (germline): Uncertain significance (1 of 4 stars; one submission).

Allele frequency attached by ClinVar (database versions not stated): gnomAD exomes below 0.00001; TOPMed below 0.00001.
gnomAD v4.1: 1 of 1,614,090 alleles (0.000062%); highest among the groups gnomAD compares: East Asian, 0.0022%; no homozygotes.

Submission:

GeneDx
Classification: Uncertain significance. Last evaluated: 2023-04-08. Review status: criteria provided, single submitter. Criteria: GeneDx Variant Classification Process June 2021. Collection method: clinical testing. Allele origin: germline. Affected: yes.
Comment: Not observed at significant frequency in large population cohorts (gnomAD); In silico analysis supports that this missense variant has a deleterious effect on protein structure/function; Has not been previously published as pathogenic or benign to our knowledge

NM_058004.4(PI4KA):c.1318G>A (p.Ala440Thr)

Gene: PI4KA (phosphatidylinositol 4-kinase alpha; minus strand). Cytogenetic location: 22q11.21.
Variant type: single nucleotide variant.
Coding change: c.1318G>A on transcript NM_058004.4 (MANE Select); coding-DNA position 1318, G replaced by A.
Protein change: p.Ala440Thr; replaces alanine 440 with threonine.
Molecular consequence: missense variant.
Genome position (GRCh38, 1-based): chr22:20,805,016, C>T on the plus strand (G>A on the coding strand, the complement: PI4KA is on the minus strand). VCF-style: chr22-20805016-C-T. GRCh37 (hg19) VCF-style: chr22-21159304-C-T.
Other names: c.1318G>A, p.Ala440Thr (NM_001362862.2); c.1252G>A, p.Ala418Thr (NM_001362863.2); short protein forms A418T, A440T.
Identifiers: ClinVar variation 2662095 (VCV002662095.1), dbSNP rs1935558481, ClinGen allele CA410760184.